The following is an entry in ClinVar:

NM_018975.4(TERF2IP):c.46C>T (p.His16Tyr)

Gene: TERF2IP (TERF2 interacting protein; plus strand). Cytogenetic location: 16q23.1.
Variant type: single nucleotide variant.
Coding change: c.46C>T on transcript NM_018975.4 (MANE Select); coding-DNA position 46, C replaced by T.
Protein change: p.His16Tyr; replaces histidine 16 with tyrosine.
Molecular consequence: missense variant. On other transcripts: non-coding transcript variant (1).
Genome position (GRCh38, 1-based): chr16:75,647,928, C>T. VCF-style: chr16-75647928-C-T. GRCh37 (hg19) VCF-style: chr16-75681826-C-T.
Other names: short protein forms H16Y.
Identifiers: ClinVar variation 1742535 (VCV001742535.8), dbSNP rs371551592, ClinGen allele CA8177925.
Genomic context (GRCh38, chr16:75,647,928, plus strand): 5'-TGCTCGGCGTCAGACATGGCGGAGGCGATGGATTTGGGCAAAGACCCCAACGGGCCCACC[C>T]ATTCCTCGACTCTGTTCGTGAGGGACGACGGCAGCTCCATGTCCTTCTACGTGCGGCCCA-3'
Protein context (NP_061848.2, residues 6-26): DLGKDPNGPT[His16Tyr]SSTLFVRDDG

ClinVar aggregate classification (germline): Uncertain significance. Review status: criteria provided, multiple submitters, no conflicts (2 of 4 stars). 2 submissions from 2 submitters: Uncertain significance (2). Last evaluated 2025-11-08.

Allele frequency attached by ClinVar (database versions not stated): gnomAD exomes below 0.00001; ExAC 0.00002; gnomAD 0.00002; TOPMed 0.00002; ESP Exome Variant Server 0.00008.
gnomAD v4.1: 8 of 1,612,064 alleles (0.0005%); highest among the groups gnomAD compares: African/African-American, 0.011%; no homozygotes.

Submissions (2):

Ambry Genetics
Classification: Uncertain significance. Last evaluated: 2025-11-08. Review status: criteria provided, single submitter. Criteria: Ambry Variant Classification Scheme 2023. Collection method: clinical testing. Allele origin: germline.

Labcorp Genetics (formerly Invitae), Labcorp
Classification: Uncertain significance. Last evaluated: 2025-05-05. Review status: criteria provided, single submitter. Criteria: Invitae Variant Classification Sherloc (09022015). Collection method: clinical testing. Allele origin: germline.
Comment: This sequence change replaces histidine, which is basic and polar, with tyrosine, which is neutral and polar, at codon 16 of the TERF2IP protein (p.His16Tyr). This variant is present in population databases (rs371551592, gnomAD 0.01%). This variant has not been reported in the literature in individuals affected with TERF2IP-related conditions. ClinVar contains an entry for this variant (Variation ID: 1742535). An algorithm developed to predict the effect of missense changes on protein structure and function (PolyPhen-2) suggests that this variant is likely to be disruptive. In summary, the available evidence is currently insufficient to determine the role of this variant in disease. Therefore, it has been classified as a Variant of Uncertain Significance.